The following is an entry in ClinVar:

NM_152443.3(RDH12):c.133A>G (p.Thr45Ala)

Genes: GPHN (gephyrin; plus strand), RDH12 (retinol dehydrogenase 12; plus strand). Cytogenetic location: 14q24.1.
Variant type: single nucleotide variant.
Coding change: c.133A>G on transcript NM_152443.3 (MANE Select); coding-DNA position 133, A replaced by G.
Protein change: p.Thr45Ala; replaces threonine 45 with alanine.
Molecular consequence: missense variant.
Genome position (GRCh38, 1-based): chr14:67,724,537, A>G. VCF-style: chr14-67724537-A-G. GRCh37 (hg19) VCF-style: chr14-68191254-A-G.
Other names: c.133A>G (NM_152443.2); short protein forms T45A.
Identifiers: ClinVar variation 1515987 (VCV001515987.9), dbSNP rs1225487694, ClinGen allele CA390147970.

ClinVar aggregate classification (germline): Pathogenic/Likely pathogenic. Review status: criteria provided, multiple submitters, no conflicts (2 of 4 stars). 4 submissions from 4 submitters: Pathogenic (2); Likely pathogenic (2). Last evaluated 2025-12-10.

Conditions:
Leber congenital amaurosis (LCA). Also called: Leber's amaurosis. Identifiers: Orphanet 65, MedGen C0339527, MeSH D057130, MONDO:0018998.
Leber congenital amaurosis 13 (LCA13). Identifiers: MedGen C2675186, MONDO:0012990, OMIM 612712.

Allele frequency attached by ClinVar (database versions not stated): TOPMed below 0.00001; gnomAD 0.00001; gnomAD exomes 0.00001.
gnomAD v4.1: 9 of 1,613,814 alleles (0.00056%); highest among the groups gnomAD compares: Non-Finnish European, 0.00068%; no homozygotes.

Submissions (4):

Natera, Inc.
Classification: Likely pathogenic for Leber congenital amaurosis. Last evaluated: 2025-12-10. Review status: criteria provided, single submitter. Criteria: Natera Variant Classification Schema (03/2026). Collection method: clinical testing. Allele origin: germline.
Comment: The c.133A>G variant in RDH12 is a missense variant predicted to cause substitution of threonine to alanine at amino acid 45. This variant is rare in the general population with a frequency below the threshold expected for the associated phenotype(s). This variant has been observed in one or more individuals affected with the associated recessive disease, as either homozygous or compound heterozygous with a second variant (PMID: 24265693, 30979730, 39693083). Computational prediction algorithms indicate this variant is likely to affect gene or protein function. Given the available evidence, this variant is classified as Likely Pathogenic.

First Genomix Gene Laboratory, Genetic Diagnostics Department
Classification: Pathogenic for Leber congenital amaurosis 13. Last evaluated: 2025-05-21. Review status: criteria provided, single submitter. Criteria: ACMG Guidelines, 2015. Collection method: clinical testing. Allele origin: germline. Inheritance: Autosomal recessive inheritance. Affected: no. Observed: 1 variant allele.

Labcorp Genetics (formerly Invitae), Labcorp
Classification: Pathogenic for Leber congenital amaurosis 13. Last evaluated: 2025-03-17. Review status: criteria provided, single submitter. Criteria: Invitae Variant Classification Sherloc (09022015). Collection method: clinical testing. Allele origin: germline.
Comment: This sequence change replaces threonine, which is neutral and polar, with alanine, which is neutral and non-polar, at codon 45 of the RDH12 protein (p.Thr45Ala). This variant is present in population databases (no rsID available, gnomAD no frequency). This missense change has been observed in individual(s) with clinical features of autosomal recessive retinal disease (PMID: 17964524, 24265693, 30372751, 30979730). In at least one individual the data is consistent with being in trans (on the opposite chromosome) from a pathogenic variant. ClinVar contains an entry for this variant (Variation ID: 1515987). Invitae Evidence Modeling of protein sequence and biophysical properties (such as structural, functional, and spatial information, amino acid conservation, physicochemical variation, residue mobility, and thermodynamic stability) indicates that this missense variant is expected to disrupt RDH12 protein function with a positive predictive value of 80%. For these reasons, this variant has been classified as Pathogenic.

Baylor Genetics
Classification: Likely pathogenic for Leber congenital amaurosis 13. Last evaluated: 2023-09-19. Review status: criteria provided, single submitter. Criteria: ACMG Guidelines, 2015. Collection method: clinical testing. Allele origin: unknown.

Literature cited by the submitters: PubMed 24265693 (cited by Natera, Inc. and Labcorp Genetics (formerly Invitae), Labcorp); PubMed 30979730 (cited by Natera, Inc. and Labcorp Genetics (formerly Invitae), Labcorp); PubMed 39693083 (cited by Natera, Inc.); PubMed 17964524 (cited by Labcorp Genetics (formerly Invitae), Labcorp); PubMed 30372751 (cited by Labcorp Genetics (formerly Invitae), Labcorp).